The following is an entry in ClinVar:

ClinVar aggregate classification (germline): Uncertain significance (1 of 4 stars; one submission).

Submission:

Women's Health and Genetics/Laboratory Corporation of America, LabCorp
Classification: Uncertain significance. Last evaluated: 2023-09-27. Review status: criteria provided, single submitter. Criteria: LabCorp Variant Classification Summary - May 2015. Collection method: clinical testing. Allele origin: germline.
Comment: Variant summary: RBBP8 c.1486delC (p.Arg496AspfsX24) results in a premature termination codon, predicted to cause a truncation of the encoded protein or absence of the protein due to nonsense mediated decay, however the molecular mechanism of disease attributed to RBBP8 is currently unknown. The variant was absent in 250628 control chromosomes (gnomAD). The available data on variant occurrences in the general population are insufficient to allow any conclusion about variant significance. To our knowledge, no occurrence of c.1486delC in individuals affected with RBBP8-Related Disorders and no experimental evidence demonstrating its impact on protein function have been reported. No submitters have cited clinical-significance assessments for this variant to ClinVar after 2014. Based on the evidence outlined above, the variant was classified as uncertain significance.

NM_002894.3(RBBP8):c.1486del (p.Arg496fs)

Gene: RBBP8 (RB binding protein 8, endonuclease; plus strand). Cytogenetic location: 18q11.2.
Variant type: Deletion.
Coding change: c.1486del on transcript NM_002894.3 (MANE Select); coding-DNA position 1486, one base deleted (C; older notation c.1486delC).
Protein change: p.Arg496fs; shifts the reading frame from arginine 496.
Molecular consequence: frameshift variant.
Genome position (GRCh38, 1-based): chr18:22,993,313, C deleted. VCF-style (leftmost placement, unchanged base first): chr18-22993312-TC-T. GRCh37 (hg19) VCF-style: chr18-20573275-TC-T.
Other names: c.1486del, p.Arg496fs (NM_203291.2, NM_203292.2); short protein forms R496fs.
Identifiers: ClinVar variation 2627339 (VCV002627339.1), dbSNP rs2510787813, ClinGen allele CA2582342334.